The following is an entry in ClinVar:

ClinVar aggregate classification (germline): Uncertain significance (1 of 4 stars; one submission).

gnomAD v4.1: 1 of 1,551,174 alleles (0.000064%); highest among the groups gnomAD compares: Admixed American, 0.002%; no homozygotes.

Submission:

Labcorp Genetics (formerly Invitae), Labcorp
Classification: Uncertain significance. Last evaluated: 2024-10-26. Review status: criteria provided, single submitter. Criteria: Invitae Variant Classification Sherloc (09022015). Collection method: clinical testing. Allele origin: germline.
Comment: This sequence change replaces proline, which is neutral and non-polar, with threonine, which is neutral and polar, at codon 859 of the EYS protein (p.Pro859Thr). This variant is not present in population databases (gnomAD no frequency). This variant has not been reported in the literature in individuals affected with EYS-related conditions. ClinVar contains an entry for this variant (Variation ID: 2098072). Invitae Evidence Modeling of protein sequence and biophysical properties (such as structural, functional, and spatial information, amino acid conservation, physicochemical variation, residue mobility, and thermodynamic stability) indicates that this missense variant is not expected to disrupt EYS protein function with a negative predictive value of 80%. In summary, the available evidence is currently insufficient to determine the role of this variant in disease. Therefore, it has been classified as a Variant of Uncertain Significance.

NM_001142800.2(EYS):c.2575C>A (p.Pro859Thr)

Gene: EYS (EGF-like photoreceptor maintenance factor; minus strand). Cytogenetic location: 6q12.
Variant type: single nucleotide variant.
Coding change: c.2575C>A on transcript NM_001142800.2 (MANE Select); coding-DNA position 2575, C replaced by A.
Protein change: p.Pro859Thr; replaces proline 859 with threonine.
Molecular consequence: missense variant.
Genome position (GRCh38, 1-based): chr6:64,912,550, G>T on the plus strand (C>A on the coding strand, the complement: EYS is on the minus strand). VCF-style: chr6-64912550-G-T. GRCh37 (hg19) VCF-style: chr6-65622443-G-T.
Other names: c.2575C>A, p.Pro859Thr (NM_001292009.2); short protein forms P859T.
Identifiers: ClinVar variation 2098072 (VCV002098072.4), dbSNP rs918658108, ClinGen allele CA364786210.